The following is an entry in ClinVar:

ClinVar aggregate classification (germline): Conflicting classifications of pathogenicity. Review status: criteria provided, conflicting classifications (1 of 4 stars). 4 submissions from 4 submitters: Uncertain significance (1); Likely benign (3). Last evaluated 2025-05-18.

Conditions:
Familial melanoma. Also called: Hereditary melanoma; Hereditary cutaneous melanoma. Identifiers: Orphanet 618, MedGen C1512419, MONDO:0018961.
Hereditary cancer-predisposing syndrome. Also called: Neoplastic Syndromes, Hereditary; Tumor predisposition; Hereditary Cancer Syndrome; Hereditary neoplastic syndrome. Identifiers: Orphanet 140162, MedGen C0027672, MeSH D009386, MONDO:0015356.

Submissions (4):

Labcorp Genetics (formerly Invitae), Labcorp
Classification: Likely benign for Familial melanoma. Last evaluated: 2025-05-18. Review status: criteria provided, single submitter. Criteria: Invitae Variant Classification Sherloc (09022015). Collection method: clinical testing. Allele origin: germline.

Ambry Genetics
Classification: Likely benign for Hereditary cancer-predisposing syndrome. Last evaluated: 2025-02-03. Review status: criteria provided, single submitter. Criteria: Ambry Variant Classification Scheme 2023. Collection method: clinical testing. Allele origin: germline.

Color Diagnostics, LLC DBA Color Health
Classification: Likely benign for Hereditary cancer-predisposing syndrome. Last evaluated: 2018-12-12. Review status: criteria provided, single submitter. Criteria: ACMG Guidelines, 2015. Collection method: clinical testing. Allele origin: germline.

GeneDx
Classification: Uncertain significance. Last evaluated: 2015-08-03. Review status: criteria provided, single submitter. Criteria: GeneDx Variant Classification (06012015). Collection method: clinical testing. Allele origin: germline. Affected: yes.
Comment: This variant is denoted CDKN2A c.289G>C at the cDNA level, p.Ala97Pro (A97P) at the protein level, and results in the change of an Alanine to a Proline (GCA>CCA). This variant has not, to our knowledge, been published in the literature as pathogenic or benign. CDKN2A Ala97Pro was not observed in approximately 6,500 individuals of European and African American ancestry in the NHLBI Exome Sequencing Project, indicating it is not a common benign variant in these populations. Since Alanine and Proline differ in some properties, this is considered a semi-conservative amino acid substitution. CDKN2A Ala97Pro occurs at a position that is not conserved and is not located in a known functional domain (Eckerle Mize 2009). In silico analyses are inconsistent regarding the effect this variant may have on protein structure and function. Based on currently available information, it is unclear whether CDKN2A Ala97Pro is pathogenic or benign. We consider it to be a variant of uncertain significance.

NM_000077.5(CDKN2A):c.246G>C (p.Val82=)

Gene: CDKN2A (cyclin dependent kinase inhibitor 2A; minus strand). Cytogenetic location: 9p21.3.
Variant type: single nucleotide variant.
Coding change: c.246G>C on transcript NM_000077.5; coding-DNA position 246, G replaced by C.
Protein change: p.Val82=; no amino-acid change (valine 82 retained).
Molecular consequence: synonymous variant (on NM_000077.6). On other transcripts: missense variant (1), 3 prime UTR variant (1).
Genome position (GRCh38, 1-based): chr9:21,971,113, C>G on the plus strand (G>C on the coding strand, the complement: CDKN2A is on the minus strand). VCF-style: chr9-21971113-C-G. GRCh37 (hg19) VCF-style: chr9-21971112-C-G.
Other names: c.246G>C, p.Val82= (NM_000077.6, NM_001195132.2); c.93G>C, p.Val31= (NM_001363763.2); c.289G>C, p.Ala97Pro (NM_058195.4); c.*169G>C (NM_058197.5); short protein forms A97P.
Identifiers: ClinVar variation 414088 (VCV000414088.13), dbSNP rs1060504181, ClinGen allele CA16612708.